The following is an entry in ClinVar:

ClinVar aggregate classification (germline): Uncertain significance (1 of 4 stars; one submission).

Conditions:
Ataxia-telangiectasia syndrome (AT). Also called: Cerebello-oculocutaneous telangiectasia; Immunodeficiency with ataxia telangiectasia; LOUIS-BAR SYNDROME; ATAXIA-TELANGIECTASIA, COMPLEMENTATION GROUP A; ATAXIA-TELANGIECTASIA, FRESNO VARIANT; Ataxia-telangiectasia, complementation group D. Identifiers: Orphanet 100, MedGen C0004135, MONDO:0008840, OMIM 208900.

Submission:

Labcorp Genetics (formerly Invitae), Labcorp
Classification: Uncertain significance for Ataxia-telangiectasia syndrome. Last evaluated: 2021-08-19. Review status: criteria provided, single submitter. Criteria: Invitae Variant Classification Sherloc (09022015). Collection method: clinical testing. Allele origin: germline.
Comment: In summary, the available evidence is currently insufficient to determine the role of this variant in disease. Therefore, it has been classified as a Variant of Uncertain Significance. Advanced modeling of protein sequence and biophysical properties (such as structural, functional, and spatial information, amino acid conservation, physicochemical variation, residue mobility, and thermodynamic stability) performed at Invitae indicates that this missense variant is not expected to disrupt ATM protein function. This variant has not been reported in the literature in individuals affected with ATM-related conditions. This variant is not present in population databases (ExAC no frequency). This sequence change replaces alanine with aspartic acid at codon 1391 of the ATM protein (p.Ala1391Asp). The alanine residue is weakly conserved and there is a moderate physicochemical difference between alanine and aspartic acid.

NM_000051.4(ATM):c.4172C>A (p.Ala1391Asp)

Gene: ATM (ATM serine/threonine kinase; plus strand). Cytogenetic location: 11q22.3.
Variant type: single nucleotide variant.
Coding change: c.4172C>A on transcript NM_000051.4 (MANE Select); coding-DNA position 4172, C replaced by A.
Protein change: p.Ala1391Asp; replaces alanine 1391 with aspartic acid.
Molecular consequence: missense variant.
Genome position (GRCh38, 1-based): chr11:108,289,039, C>A. VCF-style: chr11-108289039-C-A. GRCh37 (hg19) VCF-style: chr11-108159766-C-A.
Other names: c.4172C>A, p.Ala1391Asp (NM_001351834.2); short protein forms A1391D.
Identifiers: ClinVar variation 1376296 (VCV001376296.6), dbSNP rs1591660560, ClinGen allele CA382530172.